The following is an entry in ClinVar:

ClinVar aggregate classification (germline): Uncertain significance (1 of 4 stars; one submission).

Conditions:
Juvenile polyposis syndrome (JPS). Identifiers: Orphanet 2929, MedGen C0345893, MONDO:0017380, OMIM 174900.

Submission:

Labcorp Genetics (formerly Invitae), Labcorp
Classification: Uncertain significance for Juvenile polyposis syndrome. Last evaluated: 2021-08-06. Review status: criteria provided, single submitter. Criteria: Invitae Variant Classification Sherloc (09022015). Collection method: clinical testing. Allele origin: germline.
Comment: In summary, the available evidence is currently insufficient to determine the role of this variant in disease. Therefore, it has been classified as a Variant of Uncertain Significance. Algorithms developed to predict the effect of missense changes on protein structure and function (SIFT, PolyPhen-2, Align-GVGD) all suggest that this variant is likely to be disruptive. This variant has not been reported in the literature in individuals affected with BMPR1A-related conditions. This variant is not present in population databases (ExAC no frequency). This sequence change replaces leucine with arginine at codon 289 of the BMPR1A protein (p.Leu289Arg). The leucine residue is highly conserved and there is a moderate physicochemical difference between leucine and arginine.

NM_004329.3(BMPR1A):c.866T>G (p.Leu289Arg)

Gene: BMPR1A (bone morphogenetic protein receptor type 1A; plus strand). Cytogenetic location: 10q23.2.
Variant type: single nucleotide variant.
Coding change: c.866T>G on transcript NM_004329.3 (MANE Select); coding-DNA position 866, T replaced by G.
Protein change: p.Leu289Arg; replaces leucine 289 with arginine.
Molecular consequence: missense variant.
Genome position (GRCh38, 1-based): chr10:86,917,324, T>G. VCF-style: chr10-86917324-T-G. GRCh37 (hg19) VCF-style: chr10-88677081-T-G.
Other names: short protein forms L289R.
Identifiers: ClinVar variation 1510731 (VCV001510731.6), dbSNP rs2133577872, ClinGen allele CA377458877.
Genomic context (GRCh38, chr10:86,917,324, plus strand): 5'-CCAGCTGGTTTCGAGAAACAGAAATCTACCAAACTGTGCTAATGCGCCATGAAAACATAC[T>G]TGGTGGGTACACACTGATTCAGTCAATTTCATTTTTGACAAGGCTAGTGAGGTACAGGTG-3'
Protein context (NP_004320.2, residues 279-299): QTVLMRHENI[Leu289Arg]GFIAADIKGT